The following is an entry in ClinVar:

ClinVar aggregate classification (germline): Uncertain significance (1 of 4 stars; one submission).

Conditions:
Hereditary cancer-predisposing syndrome. Also called: Neoplastic Syndromes, Hereditary; Tumor predisposition; Hereditary neoplastic syndrome; Hereditary Cancer Syndrome. Identifiers: Orphanet 140162, MedGen C0027672, MeSH D009386, MONDO:0015356.

Submission:

Ambry Genetics
Classification: Uncertain significance for Hereditary cancer-predisposing syndrome. Last evaluated: 2023-11-15. Review status: criteria provided, single submitter. Criteria: Ambry Variant Classification Scheme 2023. Collection method: clinical testing. Allele origin: germline.
Comment: The p.R415K variant (also known as c.1244G>A), located in coding exon 6 of the RET gene, results from a G to A substitution at nucleotide position 1244. The arginine at codon 415 is replaced by lysine, an amino acid with highly similar properties. This amino acid position is not well conserved in available vertebrate species. In addition, this alteration is predicted to be tolerated by in silico analysis. Since supporting evidence is limited at this time, the clinical significance of this alteration remains unclear.

NM_020975.6(RET):c.1244G>A (p.Arg415Lys)

Gene: RET (ret proto-oncogene; plus strand). Cytogenetic location: 10q11.21.
Variant type: single nucleotide variant.
Coding change: c.1244G>A on transcript NM_020975.6 (MANE Select); coding-DNA position 1244, G replaced by A.
Protein change: p.Arg415Lys; replaces arginine 415 with lysine.
Molecular consequence: missense variant. On other transcripts: intron variant (18).
Genome position (GRCh38, 1-based): chr10:43,109,211, G>A. VCF-style: chr10-43109211-G-A. GRCh37 (hg19) VCF-style: chr10-43604659-G-A.
Other names: c.1244G>A, p.Arg415Lys (NM_000323.2, NM_001406743.1, NM_001406744.1 and 6 more transcripts); c.482G>A, p.Arg161Lys (NM_001355216.2); c.1115G>A, p.Arg372Lys (NM_001406761.1, NM_001406762.1, NM_001406764.1 and 1 more transcripts); c.956G>A, p.Arg319Lys (NM_001406766.1, NM_001406767.1, NM_001406770.1); c.806G>A, p.Arg269Lys (NM_001406771.1, NM_001406773.1); c.518G>A, p.Arg173Lys (NM_001406775.1, NM_001406776.1, NM_001406777.1 and 1 more transcripts); c.254G>A, p.Arg85Lys (NM_001406784.1); c.868-1996G>A (NM_001406772.1, NM_001406769.1); and 5 more; short protein forms R161K, R173K, R269K, R319K, R372K, R415K, R85K.
Identifiers: ClinVar variation 3227503 (VCV003227503.1), dbSNP rs1837859702, ClinGen allele CA376548024.